The following is an entry in ClinVar:

ClinVar aggregate classification (germline): Uncertain significance (1 of 4 stars; one submission).

Conditions:
Familial hemiplegic migraine. Identifiers: MedGen C0338484, MONDO:0000700.

Submission:

Labcorp Genetics (formerly Invitae), Labcorp
Classification: Uncertain significance for Familial hemiplegic migraine. Last evaluated: 2022-07-25. Review status: criteria provided, single submitter. Criteria: Invitae Variant Classification Sherloc (09022015). Collection method: clinical testing. Allele origin: germline.
Comment: This variant results in a copy number gain of the genomic region encompassing exon(s) 1 of the ATP1A2 gene. This region includes the initiator codon of the gene. This copy number gain extends beyond the assayed region for this gene and therefore may encompass additional genes. As the precise location of this event is unknown, it may be in tandem or it may be located elsewhere in the genome. This variant has not been reported in the literature in individuals affected with ATP1A2-related conditions. In summary, the available evidence is currently insufficient to determine the role of this variant in disease. Therefore, it has been classified as a Variant of Uncertain Significance.

NC_000001.10:g.(?_160085652)_(160085683_?)dup

Gene: ATP1A2 (ATPase Na+/K+ transporting subunit alpha 2; plus strand). Cytogenetic location: 1q23.2.
Variant type: Duplication.
Identifiers: ClinVar variation 1409906 (VCV001409906.5).